The following is an entry in ClinVar:

ClinVar aggregate classification (germline): Likely benign. Review status: criteria provided, multiple submitters, no conflicts (2 of 4 stars). 2 submissions from 2 submitters: Likely benign (2). Last evaluated 2022-04-04.

Allele frequency attached by ClinVar (database versions not stated): gnomAD exomes below 0.00001 and 0.00001; TOPMed below 0.00001; ExAC 0.00001; gnomAD 0.00001.
gnomAD v4.1: 6 of 1,604,566 alleles (0.00037%); highest among the groups gnomAD compares: African/African-American, 0.0013%; no homozygotes.

Submissions (2):

Labcorp Genetics (formerly Invitae), Labcorp
Classification: Likely benign. Last evaluated: 2022-04-04. Review status: criteria provided, single submitter. Criteria: Invitae Variant Classification Sherloc (09022015). Collection method: clinical testing. Allele origin: germline.

GeneDx
Classification: Likely benign. Last evaluated: 2016-11-16. Review status: criteria provided, single submitter. Criteria: GeneDx Variant Classification (06012015). Collection method: clinical testing. Allele origin: germline. Affected: yes.
Comment: This variant is considered likely benign or benign based on one or more of the following criteria: it is a conservative change, it occurs at a poorly conserved position in the protein, it is predicted to be benign by multiple in silico algorithms, and/or has population frequency not consistent with disease.

NM_001384732.1(CPLANE1):c.8601C>G (p.Ser2867=)

Gene: CPLANE1 (ciliogenesis and planar polarity effector complex subunit 1; minus strand). Cytogenetic location: 5p13.2.
Variant type: single nucleotide variant.
Coding change: c.8601C>G on transcript NM_001384732.1 (MANE Select); coding-DNA position 8601, C replaced by G.
Protein change: p.Ser2867=; no amino-acid change (serine 2867 retained).
Molecular consequence: synonymous variant.
Genome position (GRCh38, 1-based): chr5:37,142,341, G>C on the plus strand (C>G on the coding strand, the complement: CPLANE1 is on the minus strand). VCF-style: chr5-37142341-G-C. GRCh37 (hg19) VCF-style: chr5-37142443-G-C.
Other names: c.8439C>G, p.Ser2813= (NM_023073.4).
Identifiers: ClinVar variation 390851 (VCV000390851.9), dbSNP rs754005437, ClinGen allele CA3237744.
Genomic context (GRCh38, chr5:37,142,341, plus strand): 5'-TGTGTAAATGAAAAAGTAAAGAACAATACCAGGAGAAGTAGTATTCTGATCACTGGAACT[G>C]GAAAGGCTGACAGCTGAATCGGCAGTAGGAAACACACAGGTTTTCTGACCAGAATAATTT-3'
Protein context (NP_001371661.1, residues 2857-2877): FPTADSAVSL[Ser2867=]SSSDQNTTSP